The following is an entry in ClinVar:

NM_001042492.3(NF1):c.919C>T (p.Leu307Phe)

Gene: NF1 (neurofibromin 1; plus strand). Cytogenetic location: 17q11.2.
Variant type: single nucleotide variant.
Coding change: c.919C>T on transcript NM_001042492.3 (MANE Select); coding-DNA position 919, C replaced by T.
Protein change: p.Leu307Phe; replaces leucine 307 with phenylalanine.
Molecular consequence: missense variant.
Genome position (GRCh38, 1-based): chr17:31,200,452, C>T. VCF-style: chr17-31200452-C-T. GRCh37 (hg19) VCF-style: chr17-29527470-C-T.
Other names: c.919C>T, p.Leu307Phe (NM_000267.4, NM_001128147.3); short protein forms L307F.
Identifiers: ClinVar variation 1766140 (VCV001766140.2), dbSNP rs2143872381, ClinGen allele CA398995607.

ClinVar aggregate classification (germline): Uncertain significance (1 of 4 stars; one submission).

Conditions:
Cardiovascular phenotype. Identifiers: MedGen CN230736.
Hereditary cancer-predisposing syndrome. Also called: Neoplastic Syndromes, Hereditary; Tumor predisposition; Hereditary Cancer Syndrome; Hereditary neoplastic syndrome. Identifiers: Orphanet 140162, MedGen C0027672, MeSH D009386, MONDO:0015356.

Allele frequency attached by ClinVar (database versions not stated): gnomAD exomes below 0.00001.

Submission:

Ambry Genetics
Classification: Uncertain significance for Cardiovascular phenotype; Hereditary cancer-predisposing syndrome. Last evaluated: 2020-11-09. Review status: criteria provided, single submitter. Criteria: Ambry Variant Classification Scheme 2023. Collection method: clinical testing. Allele origin: germline.
Comment: The p.L307F variant (also known as c.919C>T), located in coding exon 9 of the NF1 gene, results from a C to T substitution at nucleotide position 919. The leucine at codon 307 is replaced by phenylalanine, an amino acid with highly similar properties. This amino acid position is highly conserved in available vertebrate species. In addition, the in silico prediction for this alteration is inconclusive. Since supporting evidence is limited at this time, the clinical significance of this alteration remains unclear.